The following is an entry in ClinVar:

NM_033004.4(NLRP1):c.3551T>C (p.Met1184Thr)

Gene: NLRP1 (NLR family pyrin domain containing 1; minus strand). Cytogenetic location: 17p13.2.
Variant type: single nucleotide variant.
Coding change: c.3551T>C on transcript NM_033004.4 (MANE Select); coding-DNA position 3551, T replaced by C.
Protein change: p.Met1184Thr; replaces methionine 1184 with threonine.
Molecular consequence: missense variant.
Genome position (GRCh38, 1-based): chr17:5,521,756, A>G on the plus strand (T>C on the coding strand, the complement: NLRP1 is on the minus strand). VCF-style: chr17-5521756-A-G. GRCh37 (hg19) VCF-style: chr17-5425076-A-G.
Other names: c.3563T>C, p.Met1188Thr (NM_001033053.3); c.3551T>C, p.Met1184Thr (NM_014922.5); c.3461T>C, p.Met1154Thr (NM_033006.4, NM_033007.4); short protein forms M1184T, M1188T, M1154T.
Identifiers: ClinVar variation 403239 (VCV000403239.9), dbSNP rs146932154, ClinGen allele CA8326788.

ClinVar aggregate classification (germline): Benign/Likely benign. Review status: criteria provided, multiple submitters, no conflicts (2 of 4 stars). 5 submissions from 5 submitters: Benign (4); Likely benign (1). Last evaluated 2024-11-27.

Allele frequency attached by ClinVar (database versions not stated): ESP Exome Variant Server 0.00338; gnomAD exomes 0.01262 and 0.03828; gnomAD 0.01988 and 0.01994; 1000 Genomes Project 0.02296; 1000 Genomes Project 30x 0.02639; ExAC 0.02860; TOPMed 0.03153.

Submissions (5):

Blueprint Genetics
Classification: Likely benign. Last evaluated: 2024-11-27. Review status: criteria provided, single submitter. Criteria: ACMG Guidelines, 2015. Collection method: clinical testing. Allele origin: germline.

Unidad de Genómica Garrahan, Hospital de Pediatría Garrahan
Classification: Benign. Last evaluated: 2023-11-12. Review status: criteria provided, single submitter. Criteria: ACMG Guidelines, 2015. Collection method: clinical testing. Allele origin: germline. Affected: no. Observed: 19 variant alleles.
Comment: This variant is classified as Benign based on local population frequency. This variant was detected in 20% of patients studied by a panel of primary immunodeficiencies. Number of patients: 19. Only high quality variants are reported.

Mayo Clinic Laboratories, Mayo Clinic
Classification: Benign. Last evaluated: 2022-09-06. Review status: criteria provided, single submitter. Criteria: ACMG Guidelines, 2015. Collection method: clinical testing. Allele origin: germline. Observed: 18 variant alleles.

Laboratory for Molecular Medicine, Mass General Brigham Personalized Medicine
Classification: Benign. Last evaluated: 2016-03-29. Review status: criteria provided, single submitter. Criteria: LMM Criteria. Collection method: clinical testing. Allele origin: germline.
Comment: Variant identified in a genome or exome case(s) and assessed due to predicted null impact of the variant or pathogenic assertions in the literature or databases. Disclaimer: This variant has not undergone full assessment. The following are preliminary notes: Frequency

Breakthrough Genomics
Classification: Benign. Review status: criteria provided, single submitter. Criteria: ACMG Guidelines, 2015. Collection method: not provided. Allele origin: germline. Inheritance: Autosomal recessive inheritance. Affected: yes.